The following is an entry in ClinVar:

NM_016151.4(TAOK2):c.3404G>A (p.Arg1135His)

Gene: TAOK2 (TAO kinase 2; plus strand). Cytogenetic location: 16p11.2.
Variant type: single nucleotide variant.
Coding change: c.3404G>A on transcript NM_016151.4 (MANE Select); coding-DNA position 3404, G replaced by A.
Protein change: p.Arg1135His; replaces arginine 1135 with histidine.
Molecular consequence: missense variant. On other transcripts: intron variant (1).
Genome position (GRCh38, 1-based): chr16:29,987,676, G>A. VCF-style: chr16-29987676-G-A. GRCh37 (hg19) VCF-style: chr16-29998997-G-A.
Other names: c.3404G>A (NM_016151.2); c.3065G>A, p.Arg1022His (NM_001252043.2); c.2232+1172G>A (NM_004783.4); short protein forms R1022H, R1135H.
Identifiers: ClinVar variation 1419028 (VCV001419028.9), dbSNP rs374855838, ClinGen allele CA7998568.

ClinVar aggregate classification (germline): Uncertain significance. Review status: criteria provided, multiple submitters, no conflicts (2 of 4 stars). 2 submissions from 2 submitters: Uncertain significance (2). Last evaluated 2025-08-01.

Allele frequency attached by ClinVar (database versions not stated): ExAC 0.00002; gnomAD exomes 0.00003 and 0.00005; gnomAD 0.00006 and 0.00007; TOPMed 0.00006; ESP Exome Variant Server 0.00008.

Submissions (2):

Ambry Genetics
Classification: Uncertain significance. Last evaluated: 2025-08-01. Review status: criteria provided, single submitter. Criteria: Ambry Variant Classification Scheme 2023. Collection method: clinical testing. Allele origin: germline.

Labcorp Genetics (formerly Invitae), Labcorp
Classification: Uncertain significance. Last evaluated: 2024-05-23. Review status: criteria provided, single submitter. Criteria: Invitae Variant Classification Sherloc (09022015). Collection method: clinical testing. Allele origin: germline.
Comment: This sequence change replaces arginine, which is basic and polar, with histidine, which is basic and polar, at codon 1135 of the TAOK2 protein (p.Arg1135His). This variant is present in population databases (rs374855838, gnomAD 0.006%). This variant has not been reported in the literature in individuals affected with TAOK2-related conditions. ClinVar contains an entry for this variant (Variation ID: 1419028). An algorithm developed to predict the effect of missense changes on protein structure and function (PolyPhen-2) suggests that this variant is likely to be tolerated. In summary, the available evidence is currently insufficient to determine the role of this variant in disease. Therefore, it has been classified as a Variant of Uncertain Significance.